The following is an entry in ClinVar:

NM_004211.5(SLC6A5):c.1945C>A (p.Leu649Ile)

Gene: SLC6A5 (solute carrier family 6 member 5; plus strand). Cytogenetic location: 11p15.1.
Variant type: single nucleotide variant.
Coding change: c.1945C>A on transcript NM_004211.5 (MANE Select); coding-DNA position 1945, C replaced by A.
Protein change: p.Leu649Ile; replaces leucine 649 with isoleucine.
Molecular consequence: missense variant.
Genome position (GRCh38, 1-based): chr11:20,638,534, C>A. VCF-style: chr11-20638534-C-A. GRCh37 (hg19) VCF-style: chr11-20660080-C-A.
Other names: c.1243C>A, p.Leu415Ile (NM_001318369.2); short protein forms L415I, L649I.
Identifiers: ClinVar variation 2414255 (VCV002414255.3), dbSNP rs776547802, ClinGen allele CA5921628.

ClinVar aggregate classification (germline): Uncertain significance (1 of 4 stars; one submission).

Conditions:
Hyperekplexia 3 (HKPX3). Also called: HYPEREKPLEXIA 3, AUTOSOMAL RECESSIVE; HYPEREKPLEXIA 3, AUTOSOMAL DOMINANT. Identifiers: Orphanet 3197, MedGen C3553288, MONDO:0013827, OMIM 614618.

Allele frequency attached by ClinVar (database versions not stated): ExAC 0.00002.
gnomAD v4.1: 3 of 1,610,268 alleles (0.00019%); highest among the groups gnomAD compares: Admixed American, 0.005%; no homozygotes.

Submission:

Labcorp Genetics (formerly Invitae), Labcorp
Classification: Uncertain significance for Hyperekplexia 3. Last evaluated: 2022-09-12. Review status: criteria provided, single submitter. Criteria: Invitae Variant Classification Sherloc (09022015). Collection method: clinical testing. Allele origin: germline.
Comment: This sequence change replaces leucine, which is neutral and non-polar, with isoleucine, which is neutral and non-polar, at codon 649 of the SLC6A5 protein (p.Leu649Ile). This variant is present in population databases (rs776547802, gnomAD 0.009%). This variant has not been reported in the literature in individuals affected with SLC6A5-related conditions. Advanced modeling of protein sequence and biophysical properties (such as structural, functional, and spatial information, amino acid conservation, physicochemical variation, residue mobility, and thermodynamic stability) performed at Invitae indicates that this missense variant is not expected to disrupt SLC6A5 protein function. In summary, the available evidence is currently insufficient to determine the role of this variant in disease. Therefore, it has been classified as a Variant of Uncertain Significance.